The following is an entry in ClinVar:

ClinVar aggregate classification (germline): Likely benign. Review status: criteria provided, multiple submitters, no conflicts (2 of 4 stars). 2 submissions from 2 submitters: Likely benign (2). Last evaluated 2025-06-18.

Conditions:
Aortic aneurysm, familial thoracic 7 (AAT7). Also called: AORTIC DISSECTION, FAMILIAL, WITH OR WITHOUT AORTIC ANEURYSM. Identifiers: MedGen C3151077, MONDO:0013418, OMIM 613780.

gnomAD v4.1: 12 of 1,614,210 alleles (0.00074%); highest among the groups gnomAD compares: Non-Finnish European, 0.00093%; no homozygotes.

Submissions (2):

Labcorp Genetics (formerly Invitae), Labcorp
Classification: Likely benign for Aortic aneurysm, familial thoracic 7. Last evaluated: 2025-06-18. Review status: criteria provided, single submitter. Criteria: Invitae Variant Classification Sherloc (09022015). Collection method: clinical testing. Allele origin: germline.

GeneDx
Classification: Likely benign. Last evaluated: 2017-05-22. Review status: criteria provided, single submitter. Criteria: GeneDx Variant Classification (06012015). Collection method: clinical testing. Allele origin: germline. Affected: yes.
Comment: This variant is considered likely benign or benign based on one or more of the following criteria: it is a conservative change, it occurs at a poorly conserved position in the protein, it is predicted to be benign by multiple in silico algorithms, and/or has population frequency not consistent with disease.

NM_053025.4(MYLK):c.2701C>T (p.Leu901=)

Gene: MYLK (myosin light chain kinase; minus strand). Cytogenetic location: 3q21.1.
Variant type: single nucleotide variant.
Coding change: c.2701C>T on transcript NM_053025.4 (MANE Select); coding-DNA position 2701, C replaced by T.
Protein change: p.Leu901=; no amino-acid change (leucine 901 retained).
Molecular consequence: synonymous variant.
Genome position (GRCh38, 1-based): chr3:123,700,767, G>A on the plus strand (C>T on the coding strand, the complement: MYLK is on the minus strand). VCF-style: chr3-123700767-G-A. GRCh37 (hg19) VCF-style: chr3-123419614-G-A.
Other names: c.2494C>T, p.Leu832= (NM_053026.4, NM_053028.4); c.2701C>T, p.Leu901= (NM_053027.4); c.2173C>T, p.Leu725= (NM_001321309.2).
Identifiers: ClinVar variation 509727 (VCV000509727.4), dbSNP rs765778763, ClinGen allele CA068902.